The following is an entry in ClinVar:

NM_020919.4(ALS2):c.4451G>A (p.Arg1484Gln)

Gene: ALS2 (alsin Rho guanine nucleotide exchange factor ALS2; minus strand). Cytogenetic location: 2q33.1.
Variant type: single nucleotide variant.
Coding change: c.4451G>A on transcript NM_020919.4 (MANE Select); coding-DNA position 4451, G replaced by A.
Protein change: p.Arg1484Gln; replaces arginine 1484 with glutamine.
Molecular consequence: missense variant.
Genome position (GRCh38, 1-based): chr2:201,706,975, C>T on the plus strand (G>A on the coding strand, the complement: ALS2 is on the minus strand). VCF-style: chr2-201706975-C-T. GRCh37 (hg19) VCF-style: chr2-202571698-C-T.
Other names: short protein forms R1484Q.
Identifiers: ClinVar variation 374589 (VCV000374589.49), dbSNP rs772543276, ClinGen allele CA2057563.
Genomic context (GRCh38, chr2:201,706,975, plus strand): 5'-TAAATGTCTTCCTCGCGATCATTATCCAAAGCATAAAGCATAAACAGCGGTGGGTAGAGC[C>T]GAGGTAGCAGCACAGGAAGCAATAATCCAGAACTCGTTACTACATAACTACAAAATAATG-3'
Protein context (NP_065970.2, residues 1474-1494): SGLLLPVLLP[Arg1484Gln]LYPPLFMLYA

ClinVar aggregate classification (germline): Uncertain significance. Review status: criteria provided, multiple submitters, no conflicts (2 of 4 stars). 2 submissions from 2 submitters: Uncertain significance (2). Last evaluated 2021-05-13.

Conditions:
Infantile-onset ascending hereditary spastic paralysis (IAHSP). Also called: Autosomal Recessive Juvenile Amyotrophic Lateral Sclerosis; Infantile-Onset Ascending Hereditary Spastic Paralysis (IAHSP). Identifiers: Orphanet 293168, MedGen C2931441, MONDO:0011797, OMIM 607225. Disease mechanism: loss of function.

Allele frequency attached by ClinVar (database versions not stated): TOPMed below 0.00001; ExAC 0.00001; gnomAD 0.00001; gnomAD exomes 0.00001.
gnomAD v4.1: 6 of 1,613,656 alleles (0.00037%); highest among the groups gnomAD compares: Admixed American, 0.005%; no homozygotes.

Submissions (2):

Labcorp Genetics (formerly Invitae), Labcorp
Classification: Uncertain significance for Infantile-onset ascending hereditary spastic paralysis. Last evaluated: 2021-05-13. Review status: criteria provided, single submitter. Criteria: Invitae Variant Classification Sherloc (09022015). Collection method: clinical testing. Allele origin: germline.
Comment: Algorithms developed to predict the effect of sequence changes on RNA splicing suggest that this variant may create or strengthen a splice site, but this prediction has not been confirmed by published transcriptional studies. Algorithms developed to predict the effect of missense changes on protein structure and function are either unavailable or do not agree on the potential impact of this missense change (SIFT: "Deleterious"; PolyPhen-2: "Benign"; Align-GVGD: "Class C0"). This variant has not been reported in the literature in individuals with ALS2-related conditions. ClinVar contains an entry for this variant (Variation ID: 374589). This variant is present in population databases (rs772543276, ExAC 0.009%). This sequence change replaces arginine with glutamine at codon 1484 of the ALS2 protein (p.Arg1484Gln). The arginine residue is highly conserved and there is a small physicochemical difference between arginine and glutamine. In summary, the available evidence is currently insufficient to determine the role of this variant in disease. Therefore, it has been classified as a Variant of Uncertain Significance.

CeGaT Center for Human Genetics Tuebingen
Classification: Uncertain significance. Last evaluated: 2016-05-01. Review status: criteria provided, single submitter. Criteria: CeGaT Center For Human Genetics Tuebingen Variant Classification Criteria Version 2. Collection method: clinical testing. Allele origin: germline. Affected: yes. Observed: 1 variant allele.